The following is an entry in ClinVar:

NM_003470.3(USP7):c.1449C>T (p.Asp483=)

Gene: USP7 (ubiquitin specific peptidase 7; minus strand). Cytogenetic location: 16p13.2.
Variant type: single nucleotide variant.
Coding change: c.1449C>T on transcript NM_003470.3 (MANE Select); coding-DNA position 1449, C replaced by T.
Protein change: p.Asp483=; no amino-acid change (aspartic acid 483 retained).
Molecular consequence: synonymous variant. On other transcripts: non-coding transcript variant (1).
Genome position (GRCh38, 1-based): chr16:8,905,311, G>A on the plus strand (C>T on the coding strand, the complement: USP7 is on the minus strand). VCF-style: chr16-8905311-G-A. GRCh37 (hg19) VCF-style: chr16-8999168-G-A.
Other names: c.1401C>T, p.Asp467= (NM_001286457.2); c.1152C>T, p.Asp384= (NM_001286458.2); c.1275C>T, p.Asp425= (NM_001321858.2).
Identifiers: ClinVar variation 2045100 (VCV002045100.23), dbSNP rs143960693, ClinGen allele CA7895390.

ClinVar aggregate classification (germline): Likely benign. Review status: criteria provided, multiple submitters, no conflicts (2 of 4 stars). 2 submissions from 2 submitters: Likely benign (2). Last evaluated 2025-03-01.

Allele frequency attached by ClinVar (database versions not stated): ExAC 0.00002; gnomAD 0.00004; TOPMed 0.00006; gnomAD exomes 0.00007; ESP Exome Variant Server 0.00023.
gnomAD v4.1: 111 of 1,613,912 alleles (0.0069%); highest among the groups gnomAD compares: Non-Finnish European, 0.0083%; no homozygotes.

Submissions (2):

CeGaT Center for Human Genetics Tuebingen
Classification: Likely benign. Last evaluated: 2025-03-01. Review status: criteria provided, single submitter. Criteria: CeGaT Center For Human Genetics Tuebingen Variant Classification Criteria Version 2. Collection method: clinical testing. Allele origin: germline. Affected: yes. Observed: 2 variant alleles.
Comment: USP7: BP4, BP7

Labcorp Genetics (formerly Invitae), Labcorp
Classification: Likely benign. Last evaluated: 2022-08-19. Review status: criteria provided, single submitter. Criteria: Invitae Variant Classification Sherloc (09022015). Collection method: clinical testing. Allele origin: germline.